The following is an entry in ClinVar:

NM_032634.4(PIGO):c.3104G>A (p.Arg1035His)

Gene: PIGO (phosphatidylinositol glycan anchor biosynthesis class O; minus strand). Cytogenetic location: 9p13.3.
Variant type: single nucleotide variant.
Coding change: c.3104G>A on transcript NM_032634.4 (MANE Select); coding-DNA position 3104, G replaced by A.
Protein change: p.Arg1035His; replaces arginine 1035 with histidine.
Molecular consequence: missense variant.
Genome position (GRCh38, 1-based): chr9:35,089,416, C>T on the plus strand (G>A on the coding strand, the complement: PIGO is on the minus strand). VCF-style: chr9-35089416-C-T. GRCh37 (hg19) VCF-style: chr9-35089413-C-T.
Other names: c.1853G>A, p.Arg618His (NM_001201484.2, NM_152850.4); short protein forms R1035H, R618H.
Identifiers: ClinVar variation 969558 (VCV000969558.9), dbSNP rs763001837, ClinGen allele CA373317351.
Genomic context (GRCh38, chr9:35,089,416, plus strand): 5'-TACTTCTCAAGCAAATCTACTCACTTAGGGGCAAACACTTTCCAGACCATGAGATGCCTG[C>T]GAAGGATGGAGGCTGCCAAGGCACAGGCCAGAATCTAGAGGAGGAGAGGAGGGGCCACGT-3'
Protein context (NP_116023.2, residues 1025-1045): LACALAASIL[Arg1035His]RHLMVWKVFA

ClinVar aggregate classification (germline): Uncertain significance (1 of 4 stars; one submission).

Conditions:
Hyperphosphatasia with impaired intellectual development syndrome 2. Also called: Hyperphosphatasia with intellectual disability syndrome 2; GLYCOSYLPHOSPHATIDYLINOSITOL BIOSYNTHESIS DEFECT 6. Identifiers: Orphanet 247262, MedGen C3553637, MONDO:0013882, OMIM 614749.

Allele frequency attached by ClinVar (database versions not stated): gnomAD 0.00005 and 0.00004; TOPMed 0.00004; gnomAD exomes 0.00008.
gnomAD v4.1: 118 of 1,614,020 alleles (0.0073%); highest among the groups gnomAD compares: Non-Finnish European, 0.0093%; no homozygotes.

Submission:

Labcorp Genetics (formerly Invitae), Labcorp
Classification: Uncertain significance for Hyperphosphatasia with impaired intellectual development syndrome 2. Last evaluated: 2025-05-05. Review status: criteria provided, single submitter. Criteria: Invitae Variant Classification Sherloc (09022015). Collection method: clinical testing. Allele origin: germline.
Comment: This sequence change replaces arginine, which is basic and polar, with histidine, which is basic and polar, at codon 1035 of the PIGO protein (p.Arg1035His). This variant is present in population databases (rs763001837, gnomAD 0.002%). This variant has not been reported in the literature in individuals affected with PIGO-related conditions. ClinVar contains an entry for this variant (Variation ID: 969558). Invitae Evidence Modeling of protein sequence and biophysical properties (such as structural, functional, and spatial information, amino acid conservation, physicochemical variation, residue mobility, and thermodynamic stability) has been performed for this missense variant. However, the output from this modeling did not meet the statistical confidence thresholds required to predict the impact of this variant on PIGO protein function. In summary, the available evidence is currently insufficient to determine the role of this variant in disease. Therefore, it has been classified as a Variant of Uncertain Significance.